The following is an entry in ClinVar:

ClinVar aggregate classification (germline): Uncertain significance (1 of 4 stars; one submission).

Conditions:
Charcot-Marie-Tooth disease type 4. Also called: Charcot-Marie-Tooth disease, type IV; Charcot-Marie-Tooth, Type 4. Identifiers: Orphanet 64749, MedGen C4082197, MONDO:0018995.

Allele frequency attached by ClinVar (database versions not stated): gnomAD exomes below 0.00001.

Submission:

Labcorp Genetics (formerly Invitae), Labcorp
Classification: Uncertain significance for Charcot-Marie-Tooth disease type 4. Last evaluated: 2023-12-31. Review status: criteria provided, single submitter. Criteria: Invitae Variant Classification Sherloc (09022015). Collection method: clinical testing. Allele origin: germline.
Comment: This sequence change replaces leucine, which is neutral and non-polar, with phenylalanine, which is neutral and non-polar, at codon 311 of the SBF2 protein (p.Leu311Phe). This variant is not present in population databases (gnomAD no frequency). This variant has not been reported in the literature in individuals affected with SBF2-related conditions. Advanced modeling of protein sequence and biophysical properties (such as structural, functional, and spatial information, amino acid conservation, physicochemical variation, residue mobility, and thermodynamic stability) performed at Invitae indicates that this missense variant is expected to disrupt SBF2 protein function with a positive predictive value of 80%. In summary, the available evidence is currently insufficient to determine the role of this variant in disease. Therefore, it has been classified as a Variant of Uncertain Significance.

NM_030962.4(SBF2):c.931C>T (p.Leu311Phe)

Gene: SBF2 (SET binding factor 2; minus strand). Cytogenetic location: 11p15.4.
Variant type: single nucleotide variant.
Coding change: c.931C>T on transcript NM_030962.4 (MANE Select); coding-DNA position 931, C replaced by T.
Protein change: p.Leu311Phe; replaces leucine 311 with phenylalanine.
Molecular consequence: missense variant.
Genome position (GRCh38, 1-based): chr11:9,998,310, G>A on the plus strand (C>T on the coding strand, the complement: SBF2 is on the minus strand). VCF-style: chr11-9998310-G-A. GRCh37 (hg19) VCF-style: chr11-10019857-G-A.
Other names: c.931C>T, p.Leu311Phe (NM_001386339.1, NM_001386342.1); c.967C>T, p.Leu323Phe (NM_001424318.1, NM_001425069.1, NM_001425070.1); short protein forms L323F, L311F.
Identifiers: ClinVar variation 2854953 (VCV002854953.3), dbSNP rs2496157906, ClinGen allele CA379639770.